The following is an entry in ClinVar:

NM_025103.4(IFT74):c.762G>C (p.Gln254His)

Gene: IFT74 (intraflagellar transport 74; plus strand). Cytogenetic location: 9p21.2.
Variant type: single nucleotide variant.
Coding change: c.762G>C on transcript NM_025103.4 (MANE Select); coding-DNA position 762, G replaced by C.
Protein change: p.Gln254His; replaces glutamine 254 with histidine.
Molecular consequence: missense variant.
Genome position (GRCh38, 1-based): chr9:27,011,941, G>C. VCF-style: chr9-27011941-G-C. GRCh37 (hg19) VCF-style: chr9-27011939-G-C.
Other names: c.762G>C, p.Gln254His (NM_001099222.3, NM_001099223.3, NM_001099224.3 and 1 more transcripts); c.762G>C (NM_025103.2); short protein forms Q254H.
Identifiers: ClinVar variation 1973683 (VCV001973683.3), dbSNP rs756611917, ClinGen allele CA5015385.

ClinVar aggregate classification (germline): Uncertain significance. Review status: criteria provided, single submitter (1 of 4 stars). 2 submissions from 2 submitters: Uncertain significance (1). 1 of the submissions does not count toward it. Last evaluated 2022-09-27.

Conditions:
IFT74-related disorder. Also called: IFT74-related condition; IFT74-Related Disorders.

Allele frequency attached by ClinVar (database versions not stated): gnomAD exomes below 0.00001; TOPMed below 0.00001; ExAC 0.00001; gnomAD 0.00001.

Submissions (2):

Labcorp Genetics (formerly Invitae), Labcorp
Classification: Uncertain significance. Last evaluated: 2022-09-27. Review status: criteria provided, single submitter. Criteria: Invitae Variant Classification Sherloc (09022015). Collection method: clinical testing. Allele origin: germline.
Comment: This sequence change replaces glutamine, which is neutral and polar, with histidine, which is basic and polar, at codon 254 of the IFT74 protein (p.Gln254His). The frequency data for this variant in the population databases is considered unreliable, as metrics indicate poor data quality at this position in the gnomAD database. This variant has not been reported in the literature in individuals affected with IFT74-related conditions. Algorithms developed to predict the effect of missense changes on protein structure and function are either unavailable or do not agree on the potential impact of this missense change (SIFT: "Deleterious"; PolyPhen-2: "Benign"; Align-GVGD: "Class C0"). In summary, the available evidence is currently insufficient to determine the role of this variant in disease. Therefore, it has been classified as a Variant of Uncertain Significance.

PreventionGenetics, part of Exact Sciences
Classification: Uncertain significance for IFT74-related condition. Last evaluated: 2024-05-16. Review status: no assertion criteria provided. Collection method: clinical testing. Allele origin: germline. Not counted in ClinVar's aggregate classification.
Comment: The IFT74 c.762G>C variant is predicted to result in the amino acid substitution p.Gln254His. To our knowledge, this variant has not been reported in the literature or in a large population database, indicating this variant is rare. At this time, the clinical significance of this variant is uncertain due to the absence of conclusive functional and genetic evidence.